The following is an entry in ClinVar:

NM_007294.4(BRCA1):c.1379T>C (p.Ile460Thr)

Gene: BRCA1 (BRCA1 DNA repair associated; minus strand). Cytogenetic location: 17q21.31.
Variant type: single nucleotide variant.
Coding change: c.1379T>C on transcript NM_007294.4 (MANE Select); coding-DNA position 1379, T replaced by C.
Protein change: p.Ile460Thr; replaces isoleucine 460 with threonine.
Molecular consequence: missense variant. On other transcripts: intron variant (137).
Genome position (GRCh38, 1-based): chr17:43,094,152, A>G on the plus strand (T>C on the coding strand, the complement: BRCA1 is on the minus strand). VCF-style: chr17-43094152-A-G. GRCh37 (hg19) VCF-style: chr17-41246169-A-G.
Other names: c.1235T>C, p.Ile412Thr (NM_001407844.1, NM_001407845.1, NM_001407846.1 and 20 more transcripts); c.1238T>C, p.Ile413Thr (NM_001407850.1, NM_001407851.1, NM_001407852.1 and 29 more transcripts); c.1166T>C, p.Ile389Thr (NM_001407853.1, NM_001407898.1, NM_001407899.1 and 9 more transcripts); c.1379T>C, p.Ile460Thr (NM_001407854.1, NM_001407858.1, NM_001407859.1 and 30 more transcripts); c.1376T>C, p.Ile459Thr (NM_001407860.1, NM_001407861.1, NM_001407587.1 and 22 more transcripts); c.1178T>C, p.Ile393Thr (NM_001407862.1); c.1169T>C, p.Ile390Thr (NM_001407900.1, NM_001407902.1, NM_001407879.1 and 13 more transcripts); c.1175T>C, p.Ile392Thr (NM_001407875.1, NM_001407874.1); and 40 more; short protein forms I460T, I413T, I292T, I333T, I371T, I372T, I418T, I349T.
Identifiers: ClinVar variation 843219 (VCV000843219.14), dbSNP rs398122634, ClinGen allele CA10599284.

ClinVar aggregate classification (germline): Conflicting classifications of pathogenicity. Review status: criteria provided, conflicting classifications (1 of 4 stars). 3 submissions from 3 submitters: Uncertain significance (2); Likely benign (1). Last evaluated 2025-04-14.

Conditions:
Hereditary breast ovarian cancer syndrome. Also called: Breast and ovarian cancer; Hereditary breast and ovarian cancer syndrome; Hereditary breast and ovarian cancer syndrome (HBOC); BRCA1- and BRCA2-Associated Hereditary Breast and Ovarian Cancer; Hereditary breast and ovarian cancer; Hereditary breast and/or ovarian cancer syndrome. Identifiers: Orphanet 145, MedGen C0677776, MeSH D061325, MONDO:0003582. Disease mechanism: loss of function.
Hereditary cancer-predisposing syndrome. Also called: Hereditary Cancer Syndrome; Hereditary neoplastic syndrome; Tumor predisposition; Neoplastic Syndromes, Hereditary. Identifiers: Orphanet 140162, MedGen C0027672, MeSH D009386, MONDO:0015356.

gnomAD v4.1: 1 of 1,613,994 alleles (0.000062%); no homozygotes.

Submissions (3):

Labcorp Genetics (formerly Invitae), Labcorp
Classification: Uncertain significance for Hereditary breast ovarian cancer syndrome. Last evaluated: 2025-04-14. Review status: criteria provided, single submitter. Criteria: Invitae Variant Classification Sherloc (09022015). Collection method: clinical testing. Allele origin: germline.
Comment: This sequence change replaces isoleucine, which is neutral and non-polar, with threonine, which is neutral and polar, at codon 460 of the BRCA1 protein (p.Ile460Thr). This variant is not present in population databases (gnomAD no frequency). This variant has not been reported in the literature in individuals affected with BRCA1-related conditions. ClinVar contains an entry for this variant (Variation ID: 843219). Invitae Evidence Modeling of protein sequence and biophysical properties (such as structural, functional, and spatial information, amino acid conservation, physicochemical variation, residue mobility, and thermodynamic stability) indicates that this missense variant is expected to disrupt BRCA1 protein function with a positive predictive value of 80%. In summary, the available evidence is currently insufficient to determine the role of this variant in disease. Therefore, it has been classified as a Variant of Uncertain Significance.

University of Washington Department of Laboratory Medicine, University of Washington
Classification: Likely benign for Hereditary cancer-predisposing syndrome. Last evaluated: 2023-03-23. Review status: criteria provided, single submitter. Criteria: Dines et al. (Genet Med. 2020). Collection method: curation. Allele origin: germline.
Comment: Missense variant in a coldspot region where missense variants are very unlikely to be pathogenic (PMID:31911673).

BRCA1 coldspot (exon 11 using historical exon numbering). Reclassification based on statistical prior probability

Institute for Clinical Genetics, University Hospital TU Dresden, University Hospital TU Dresden
Classification: Uncertain significance. Last evaluated: 2021-11-03. Review status: criteria provided, single submitter. Criteria: ACMG Guidelines, 2015. Collection method: clinical testing. Allele origin: germline.